The following is an entry in ClinVar:

NM_002691.4(POLD1):c.2474A>G (p.Asp825Gly)

Gene: POLD1 (DNA polymerase delta 1, catalytic subunit; plus strand). Cytogenetic location: 19q13.33.
Variant type: single nucleotide variant.
Coding change: c.2474A>G on transcript NM_002691.4 (MANE Select); coding-DNA position 2474, A replaced by G.
Protein change: p.Asp825Gly; replaces aspartic acid 825 with glycine.
Molecular consequence: missense variant. On other transcripts: non-coding transcript variant (1).
Genome position (GRCh38, 1-based): chr19:50,414,900, A>G. VCF-style: chr19-50414900-A-G. GRCh37 (hg19) VCF-style: chr19-50918157-A-G.
Other names: c.2474A>G, p.Asp825Gly (NM_001256849.1); c.2552A>G, p.Asp851Gly (NM_001308632.1); short protein forms D851G, D825G.
Identifiers: ClinVar variation 2448203 (VCV002448203.2), dbSNP rs2514048283, ClinGen allele CA406985070.

ClinVar aggregate classification (germline): Uncertain significance (1 of 4 stars; one submission).

Conditions:
Hereditary cancer-predisposing syndrome. Also called: Neoplastic Syndromes, Hereditary; Hereditary Cancer Syndrome; Tumor predisposition; Hereditary neoplastic syndrome. Identifiers: Orphanet 140162, MedGen C0027672, MeSH D009386, MONDO:0015356.

Submission:

Ambry Genetics
Classification: Uncertain significance for Hereditary cancer-predisposing syndrome. Last evaluated: 2022-12-17. Review status: criteria provided, single submitter. Criteria: Ambry Variant Classification Scheme 2023. Collection method: clinical testing. Allele origin: germline.
Comment: The p.D825G variant (also known as c.2474A>G), located in coding exon 19 of the POLD1 gene, results from an A to G substitution at nucleotide position 2474. The aspartic acid at codon 825 is replaced by glycine, an amino acid with similar properties. This amino acid position is conserved. In addition, this alteration is predicted to be deleterious by in silico analysis. Since supporting evidence is limited at this time, the clinical significance of this alteration remains unclear.